The following is an entry in ClinVar:

NM_001292063.2(OTOG):c.2397C>T (p.Gly799=)

Gene: OTOG (otogelin; plus strand). Cytogenetic location: 11p15.1.
Variant type: single nucleotide variant.
Coding change: c.2397C>T on transcript NM_001292063.2 (MANE Select); coding-DNA position 2397, C replaced by T.
Protein change: p.Gly799=; no amino-acid change (glycine 799 retained).
Molecular consequence: synonymous variant.
Genome position (GRCh38, 1-based): chr11:17,574,823, C>T. VCF-style: chr11-17574823-C-T. GRCh37 (hg19) VCF-style: chr11-17596370-C-T.
Other names: c.2433C>T, p.Gly811= (NM_001277269.2); c.2433C>T (NM_001277269.1).
Identifiers: ClinVar variation 2174039 (VCV002174039.18), dbSNP rs779489639, ClinGen allele CA5905618.

ClinVar aggregate classification (germline): Likely benign. Review status: criteria provided, multiple submitters, no conflicts (2 of 4 stars). 3 submissions from 3 submitters: Likely benign (2). 1 of the submissions does not count toward it. Last evaluated 2025-03-10.

Conditions:
OTOG-related disorder. Also called: OTOG-related condition.

Allele frequency attached by ClinVar (database versions not stated): gnomAD 0.00013; TOPMed 0.00014; 1000 Genomes Project 30x 0.00031.
gnomAD v4.1: 243 of 1,550,210 alleles (0.016%); highest among the groups gnomAD compares: Admixed American, 0.11%; no homozygotes.

Submissions (3):

Labcorp Genetics (formerly Invitae), Labcorp
Classification: Likely benign. Last evaluated: 2025-03-10. Review status: criteria provided, single submitter. Criteria: Invitae Variant Classification Sherloc (09022015). Collection method: clinical testing. Allele origin: germline.

CeGaT Center for Human Genetics Tuebingen
Classification: Likely benign. Last evaluated: 2024-12-01. Review status: criteria provided, single submitter. Criteria: CeGaT Center For Human Genetics Tuebingen Variant Classification Criteria Version 2. Collection method: clinical testing. Allele origin: germline. Affected: yes. Observed: 1 variant allele.
Comment: OTOG: BP4, BP7

PreventionGenetics, part of Exact Sciences
Classification: Likely benign for OTOG-related condition. Last evaluated: 2024-09-04. Review status: no assertion criteria provided. Collection method: clinical testing. Allele origin: germline. Not counted in ClinVar's aggregate classification.
Comment: This variant is classified as likely benign based on ACMG/AMP sequence variant interpretation guidelines (Richards et al. 2015 PMID: 25741868, with internal and published modifications).